The following is an entry in ClinVar:

ClinVar aggregate classification (germline): Uncertain significance. Review status: criteria provided, multiple submitters, no conflicts (2 of 4 stars). 2 submissions from 2 submitters: Uncertain significance (2). Last evaluated 2024-04-08.

Allele frequency attached by ClinVar (database versions not stated): gnomAD 0.00001; TOPMed 0.00001; gnomAD exomes 0.00002; ExAC 0.00004.
gnomAD v4.1: 51 of 1,578,492 alleles (0.0032%); highest among the groups gnomAD compares: Non-Finnish European, 0.0044%; no homozygotes.

Submissions (2):

Blueprint Genetics
Classification: Uncertain significance. Last evaluated: 2024-04-08. Review status: criteria provided, single submitter. Criteria: ACMG Guidelines, 2015. Collection method: clinical testing. Allele origin: germline.

Labcorp Genetics (formerly Invitae), Labcorp
Classification: Uncertain significance. Last evaluated: 2022-04-05. Review status: criteria provided, single submitter. Criteria: Invitae Variant Classification Sherloc (09022015). Collection method: clinical testing. Allele origin: germline.
Comment: This sequence change replaces serine, which is neutral and polar, with phenylalanine, which is neutral and non-polar, at codon 4 of the CEP78 protein (p.Ser4Phe). The frequency data for this variant in the population databases is considered unreliable, as metrics indicate poor data quality at this position in the gnomAD database. This variant has not been reported in the literature in individuals affected with CEP78-related conditions. Algorithms developed to predict the effect of missense changes on protein structure and function are either unavailable or do not agree on the potential impact of this missense change (SIFT: "Deleterious"; PolyPhen-2: "Probably Damaging"; Align-GVGD: "Class C0"). In summary, the available evidence is currently insufficient to determine the role of this variant in disease. Therefore, it has been classified as a Variant of Uncertain Significance.

NM_001330691.3(CEP78):c.11C>T (p.Ser4Phe)

Gene: CEP78 (centrosomal protein 78; plus strand). Cytogenetic location: 9q21.2.
Variant type: single nucleotide variant.
Coding change: c.11C>T on transcript NM_001330691.3 (MANE Select); coding-DNA position 11, C replaced by T.
Protein change: p.Ser4Phe; replaces serine 4 with phenylalanine.
Molecular consequence: missense variant.
Genome position (GRCh38, 1-based): chr9:78,236,361, C>T. VCF-style: chr9-78236361-C-T. GRCh37 (hg19) VCF-style: chr9-80851277-C-T.
Other names: c.11C>T, p.Ser4Phe (NM_001098802.3, NM_001330693.3, NM_001330694.2 and 4 more transcripts); short protein forms S4F.
Identifiers: ClinVar variation 1394129 (VCV001394129.4), dbSNP rs758699168, ClinGen allele CA5094784.